The following is an entry in ClinVar:

NM_000257.4(MYH7):c.2055C>A (p.Asp685Glu)

Gene: MYH7 (myosin heavy chain 7; minus strand). Cytogenetic location: 14q11.2.
Variant type: single nucleotide variant.
Coding change: c.2055C>A on transcript NM_000257.4 (MANE Select); coding-DNA position 2055, C replaced by A.
Protein change: p.Asp685Glu; replaces aspartic acid 685 with glutamic acid.
Molecular consequence: missense variant.
Genome position (GRCh38, 1-based): chr14:23,426,071, G>T on the plus strand (C>A on the coding strand, the complement: MYH7 is on the minus strand). VCF-style: chr14-23426071-G-T. GRCh37 (hg19) VCF-style: chr14-23895280-G-T.
Other names: c.2055C>A, p.Asp685Glu (NM_001407004.1); short protein forms D685E.
Identifiers: ClinVar variation 3070030 (VCV003070030.2), dbSNP rs2502289866, ClinGen allele CA389049220.
Genomic context (GRCh38, chr14:23,426,071, plus strand): 5'-GCAGATGCGGATGCCCTCCAGCACACCATTGCAGCGCAGCTGGTGCATGACCAGGGGGTT[G>T]TCCATCACCCCTGTGGCAAGAAGGAAGTAGGAGGAGTCTGTGAGAACACTGGACTGAAGT-3'
Protein context (NP_000248.2, residues 675-695): PNETKSPGVM[Asp685Glu]NPLVMHQLRC

ClinVar aggregate classification (germline): Uncertain significance. Review status: criteria provided, multiple submitters, no conflicts (2 of 4 stars). 2 submissions from 2 submitters: Uncertain significance (2). Last evaluated 2025-10-06.

Conditions:
Cardiomyopathy (CMYO). Also called: Cardiomyopathies. Identifiers: Orphanet 167848, MedGen C0878544, MONDO:0004994, HP:0001638. Inheritance: Various modes of inheritance.
Hypertrophic cardiomyopathy. Also called: HYPERTROPHIC MYOCARDIOPATHY. Identifiers: Orphanet 217569, MedGen C0007194, MeSH D002312, MONDO:0005045, HP:0001639.

Allele frequency attached by ClinVar (database versions not stated): gnomAD exomes below 0.00001.
gnomAD v4.1: 2 of 1,614,174 alleles (0.00012%); highest among the groups gnomAD compares: Non-Finnish European, 0.00017%; no homozygotes.

Submissions (2):

Labcorp Genetics (formerly Invitae), Labcorp
Classification: Uncertain significance for Hypertrophic cardiomyopathy. Last evaluated: 2025-10-06. Review status: criteria provided, single submitter. Criteria: Invitae Variant Classification Sherloc (09022015). Collection method: clinical testing. Allele origin: germline.
Comment: This sequence change replaces aspartic acid, which is acidic and polar, with glutamic acid, which is acidic and polar, at codon 685 of the MYH7 protein (p.Asp685Glu). This variant is not present in population databases (gnomAD no frequency). This variant has not been reported in the literature in individuals affected with MYH7-related conditions. ClinVar contains an entry for this variant (Variation ID: 3070030). Invitae Evidence Modeling of protein sequence and biophysical properties (such as structural, functional, and spatial information, amino acid conservation, physicochemical variation, residue mobility, and thermodynamic stability) has been performed for this missense variant. However, the output from this modeling did not meet the statistical confidence thresholds required to predict the impact of this variant on MYH7 protein function. This variant is found within a region of MYH7 between codons 181 and 937 that contains the majority of the myosin head domain. Missense variants in this region have been shown to be significantly overrepresented in individuals with hypertrophic cardiomyopathy (PMID: 27532257). In summary, the available evidence is currently insufficient to determine the role of this variant in disease. Therefore, it has been classified as a Variant of Uncertain Significance.

All of Us Research Program, National Institutes of Health
Classification: Uncertain significance for Cardiomyopathy. Last evaluated: 2023-05-16. Review status: criteria provided, single submitter. Criteria: ACMG Guidelines, 2015. Collection method: clinical testing. Allele origin: germline. Inheritance: Autosomal dominant inheritance. Observed: 2 variant alleles, 2 heterozygotes.
Comment: This missense variant replaces aspartic acid with glutamic acid at codon 685 of the MYH7 protein. Computational prediction suggests that this variant may not impact protein structure and function (internally defined REVEL score threshold <= 0.5, PMID: 27666373). To our knowledge, functional studies have not been reported for this variant. This variant has not been reported in individuals affected with cardiovascular disorders in the literature. This variant has not been identified in the general population by the Genome Aggregation Database (gnomAD). The available evidence is insufficient to determine the role of this variant in disease conclusively. Therefore, this variant is classified as a Variant of Uncertain Significance.

This study involves interpretation of variants in research participants for the purpose of population health screening. Participant phenotype was not available at the time of variant classification. Additional details can be found in publication PMID: 35346344, PMCID: PMC8962531

Literature cited by the submitters: PubMed 27532257 (cited by Labcorp Genetics (formerly Invitae), Labcorp).